The following is an entry in ClinVar:

ClinVar aggregate classification (germline): Uncertain significance (1 of 4 stars; one submission).

Conditions:
Episodic ataxia type 2 (EA2). Also called: ACETAZOLAMIDE-RESPONSIVE HEREDITARY PAROXYSMAL CEREBELLAR ATAXIA; CEREBELLAR ATAXIA, PAROXYSMAL, ACETAZOLAMIDE-RESPONSIVE; CEREBELLOPATHY, HEREDITARY PAROXYSMAL; EPISODIC ATAXIA, NYSTAGMUS-ASSOCIATED; ATAXIA, EPISODIC, WITH NYSTAGMUS; ATAXIA, FAMILIAL PAROXYSMAL. Identifiers: Orphanet 97, MedGen C1720416, MONDO:0007163, OMIM 108500.
Developmental and epileptic encephalopathy, 42 (DEE42A). Also called: DEVELOPMENTAL AND EPILEPTIC ENCEPHALOPATHY 42A; EPILEPTIC ENCEPHALOPATHY, EARLY INFANTILE, 42A; Epileptic encephalopathy, early infantile, 42. Identifiers: MedGen C4310716, MONDO:0014917, OMIM 617106.

Submission:

Labcorp Genetics (formerly Invitae), Labcorp
Classification: Uncertain significance for Developmental and epileptic encephalopathy, 42; Episodic ataxia type 2. Last evaluated: 2022-08-20. Review status: criteria provided, single submitter. Criteria: Invitae Variant Classification Sherloc (09022015). Collection method: clinical testing. Allele origin: germline.
Comment: In summary, the available evidence is currently insufficient to determine the role of this variant in disease. Therefore, it has been classified as a Variant of Uncertain Significance. Advanced modeling of protein sequence and biophysical properties (such as structural, functional, and spatial information, amino acid conservation, physicochemical variation, residue mobility, and thermodynamic stability) performed at Invitae indicates that this missense variant is not expected to disrupt CACNA1A protein function. ClinVar contains an entry for this variant (Variation ID: 570248). This variant has not been reported in the literature in individuals affected with CACNA1A-related conditions. This variant is not present in population databases (gnomAD no frequency). This sequence change replaces proline, which is neutral and non-polar, with leucine, which is neutral and non-polar, at codon 1996 of the CACNA1A protein (p.Pro1996Leu).

NM_001127222.2(CACNA1A):c.5984C>T (p.Pro1995Leu)

Gene: CACNA1A (calcium voltage-gated channel subunit alpha1 A; minus strand). Cytogenetic location: 19p13.13.
Variant type: single nucleotide variant.
Coding change: c.5984C>T on transcript NM_001127222.2 (MANE Select); coding-DNA position 5984, C replaced by T.
Protein change: p.Pro1995Leu; replaces proline 1995 with leucine.
Molecular consequence: missense variant.
Genome position (GRCh38, 1-based): chr19:13,212,697, G>A on the plus strand (C>T on the coding strand, the complement: CACNA1A is on the minus strand). VCF-style: chr19-13212697-G-A. GRCh37 (hg19) VCF-style: chr19-13323511-G-A.
Other names: c.6002C>T, p.Pro2001Leu (NM_000068.4, NM_023035.3); c.5987C>T, p.Pro1996Leu (NM_001127221.2); c.5993C>T, p.Pro1998Leu (NM_001174080.2); short protein forms P1996L, P1995L, P2001L, P1998L.
Identifiers: ClinVar variation 570248 (VCV000570248.11), dbSNP rs1568424203, ClinGen allele CA404333548.